The following is an entry in ClinVar:

ClinVar aggregate classification (germline): Uncertain significance (1 of 4 stars; one submission).

Submission:

Labcorp Genetics (formerly Invitae), Labcorp
Classification: Uncertain significance. Last evaluated: 2024-04-10. Review status: criteria provided, single submitter. Criteria: Invitae Variant Classification Sherloc (09022015). Collection method: clinical testing. Allele origin: germline.
Comment: This sequence change replaces valine, which is neutral and non-polar, with glycine, which is neutral and non-polar, at codon 452 of the LARP7 protein (p.Val452Gly). This variant is not present in population databases (gnomAD no frequency). This variant has not been reported in the literature in individuals affected with LARP7-related conditions. Advanced modeling of protein sequence and biophysical properties (such as structural, functional, and spatial information, amino acid conservation, physicochemical variation, residue mobility, and thermodynamic stability) performed at Invitae indicates that this missense variant is not expected to disrupt LARP7 protein function with a negative predictive value of 80%. In summary, the available evidence is currently insufficient to determine the role of this variant in disease. Therefore, it has been classified as a Variant of Uncertain Significance.

NM_016648.4(LARP7):c.1355T>G (p.Val452Gly)

Gene: LARP7 (La ribonucleoprotein 7, transcriptional regulator; plus strand). Cytogenetic location: 4q25.
Variant type: single nucleotide variant.
Coding change: c.1355T>G on transcript NM_016648.4 (MANE Select); coding-DNA position 1355, T replaced by G.
Protein change: p.Val452Gly; replaces valine 452 with glycine.
Molecular consequence: missense variant.
Genome position (GRCh38, 1-based): chr4:112,650,521, T>G. VCF-style: chr4-112650521-T-G. GRCh37 (hg19) VCF-style: chr4-113571677-T-G.
Other names: c.1355T>G, p.Val452Gly (NM_001267039.4, NM_001370978.1, NM_015454.3); c.1394T>G, p.Val465Gly (NM_001370974.1, NM_001370975.1); c.1391T>G, p.Val464Gly (NM_001370976.1, NM_001370977.1); c.1352T>G, p.Val451Gly (NM_001370979.1, NM_001370980.1); c.1118T>G, p.Val373Gly (NM_001370981.1, NM_001370982.1); short protein forms V465G, V451G, V373G, V452G, V464G.
Identifiers: ClinVar variation 3649535 (VCV003649535.2).